The following is an entry in ClinVar:

ClinVar aggregate classification (germline): Pathogenic (1 of 4 stars; one submission).

Conditions:
Asphyxiating thoracic dystrophy 3. Also called: SHORT-RIB THORACIC DYSPLASIA 3 WITH OR WITHOUT POLYDACTYLY; POLYDACTYLY WITH NEONATAL CHONDRODYSTROPHY, TYPE I; SHORT-RIB THORACIC DYSPLASIA 3/6 WITH POLYDACTYLY, DIGENIC; Short rib polydactyly syndrome 2B; Saldino-Noonan Syndrome. Identifiers: Orphanet 474, Orphanet 93269, Orphanet 93270, Orphanet 93271, MedGen C0036069, MONDO:0013127, OMIM 613091.

gnomAD v4.1: 3 of 1,607,598 alleles (0.00019%); highest among the groups gnomAD compares: South Asian, 0.0033%; no homozygotes.

Submission:

Myriad Genetics, Inc.
Classification: Pathogenic for Asphyxiating thoracic dystrophy 3. Last evaluated: 2025-07-23. Review status: criteria provided, single submitter. Criteria: Myriad Autosomal Dominant, Autosomal Recessive and X-Linked Classification Criteria (2023). Collection method: clinical testing. Allele origin: unknown.
Comment: NM_001377.2(DYNC2H1):c.5224G>T(E1742*) is expected to be pathogenic in the context of DYNC2H1-related disorders. This variant is predicted to lead to an abnormal or absent protein product due to the creation of a premature termination codon in DYNC2H1, a gene where loss-of-function variants are known to be pathogenic. Please note: this variant was assessed in the context of healthy population screening.

NM_001377.3(DYNC2H1):c.5224G>T (p.Glu1742Ter)

Gene: DYNC2H1 (dynein cytoplasmic 2 heavy chain 1; plus strand). Cytogenetic location: 11q22.3.
Variant type: single nucleotide variant.
Coding change: c.5224G>T on transcript NM_001377.3 (MANE Select); coding-DNA position 5224, G replaced by T.
Protein change: p.Glu1742Ter; replaces glutamic acid 1742 with a stop codon.
Molecular consequence: nonsense.
Genome position (GRCh38, 1-based): chr11:103,170,958, G>T. VCF-style: chr11-103170958-G-T. GRCh37 (hg19) VCF-style: chr11-103041687-G-T.
Other names: c.5224G>T, p.Glu1742Ter (NM_001080463.2); short protein forms E1742*.
Identifiers: ClinVar variation 5014769 (VCV005014769.1).